The following is an entry in ClinVar:

ClinVar aggregate classification (germline): Uncertain significance (1 of 4 stars; one submission).

Conditions:
Infantile myofibromatosis (IMF). Also called: Congenital generalized fibromatosis. Identifiers: Orphanet 2591, MedGen C0432284, MONDO:0016824.
Skeletal overgrowth-craniofacial dysmorphism-hyperelastic skin-white matter lesions syndrome. Also called: SKELETAL OVERGROWTH WITH FACIAL DYSMORPHISM, HYPERELASTIC SKIN, WHITE MATTER LESIONS, AND NEUROLOGIC DETERIORATION; Kosaki overgrowth syndrome. Identifiers: Orphanet 477831, MedGen C4225270, MONDO:0014704, OMIM 616592.
Acroosteolysis-keloid-like lesions-premature aging syndrome. Also called: Premature aging syndrome, Penttinen type; Prematurely aged appearance, delayed bone maturation, acro-osteolysis, and brachydactyly; Progeroid syndrome, Penttinen type. Identifiers: Orphanet 363665, MedGen C1866182, MONDO:0011150, OMIM 601812.
Basal ganglia calcification, idiopathic, 4 (PFBC4). Also called: Familial Idiopathic Basal Ganglia Calcification 4; PRIMARY FAMILIAL BRAIN CALCIFICATION 4, AUTOSOMAL DOMINANT. Identifiers: Orphanet 1980, MedGen C3554321, MONDO:0014004, OMIM 615007.

Submission:

Labcorp Genetics (formerly Invitae), Labcorp
Classification: Uncertain significance for Basal ganglia calcification, idiopathic, 4; Skeletal overgrowth-craniofacial dysmorphism-hyperelastic skin-white matter lesions syndrome; Infantile myofibromatosis; Acroosteolysis-keloid-like lesions-premature aging syndrome. Last evaluated: 2024-04-22. Review status: criteria provided, single submitter. Criteria: Invitae Variant Classification Sherloc (09022015). Collection method: clinical testing. Allele origin: germline.
Comment: This sequence change replaces methionine, which is neutral and non-polar, with threonine, which is neutral and polar, at codon 757 of the PDGFRB protein (p.Met757Thr). This variant is not present in population databases (gnomAD no frequency). This variant has not been reported in the literature in individuals affected with PDGFRB-related conditions. ClinVar contains an entry for this variant (Variation ID: 1969146). Advanced modeling of protein sequence and biophysical properties (such as structural, functional, and spatial information, amino acid conservation, physicochemical variation, residue mobility, and thermodynamic stability) performed at Invitae indicates that this missense variant is not expected to disrupt PDGFRB protein function with a negative predictive value of 80%. In summary, the available evidence is currently insufficient to determine the role of this variant in disease. Therefore, it has been classified as a Variant of Uncertain Significance.

NM_002609.4(PDGFRB):c.2270T>C (p.Met757Thr)

Gene: PDGFRB (platelet derived growth factor receptor beta; minus strand). Cytogenetic location: 5q32.
Variant type: single nucleotide variant.
Coding change: c.2270T>C on transcript NM_002609.4 (MANE Select); coding-DNA position 2270, T replaced by C.
Protein change: p.Met757Thr; replaces methionine 757 with threonine.
Molecular consequence: missense variant.
Genome position (GRCh38, 1-based): chr5:150,121,954, A>G on the plus strand (T>C on the coding strand, the complement: PDGFRB is on the minus strand). VCF-style: chr5-150121954-A-G. GRCh37 (hg19) VCF-style: chr5-149501517-A-G.
Other names: c.2078T>C, p.Met693Thr (NM_001355016.2); c.1787T>C, p.Met596Thr (NM_001355017.2); short protein forms M596T, M757T, M693T.
Identifiers: ClinVar variation 1969146 (VCV001969146.5), dbSNP rs922382503, ClinGen allele CA361762585.
Genomic context (GRCh38, chr5:150,121,954, plus strand): 5'-TTATCGTAAGGGGCCATGTAGTTGGAGGACTCGATGTCTGCATATTTGACGTCTCCTTTC[A>G]TGTCCAGCATGGGCACATAGTCCACCGACTCGTCCTTGCTCATGTCCATGTAGCCACCGT-3'
Protein context (NP_002600.1, residues 747-767): ESVDYVPMLD[Met757Thr]KGDVKYADIE